The following is an entry in ClinVar:

NM_016335.6(PRODH):c.1411A>G (p.Asn471Asp)

Gene: PRODH (proline dehydrogenase 1; minus strand). Cytogenetic location: 22q11.21.
Variant type: single nucleotide variant.
Coding change: c.1411A>G on transcript NM_016335.6 (MANE Select); coding-DNA position 1411, A replaced by G.
Protein change: p.Asn471Asp; replaces asparagine 471 with aspartic acid.
Molecular consequence: missense variant.
Genome position (GRCh38, 1-based): chr22:18,918,332, T>C on the plus strand (A>G on the coding strand, the complement: PRODH is on the minus strand). VCF-style: chr22-18918332-T-C. GRCh37 (hg19) VCF-style: chr22-18905845-T-C.
Other names: c.1087A>G, p.Asn363Asp (NM_001195226.2); short protein forms N363D, N471D.
Identifiers: ClinVar variation 1183728 (VCV001183728.2), dbSNP rs755810965, ClinGen allele CA10094960.

ClinVar aggregate classification (germline): Uncertain significance (1 of 4 stars; one submission).

Allele frequency attached by ClinVar (database versions not stated): gnomAD exomes 0.00002; ExAC 0.00002.

Submission:

GeneDx
Classification: Uncertain significance. Last evaluated: 2019-11-16. Review status: criteria provided, single submitter. Criteria: GeneDx Variant Classification Process June 2021. Collection method: clinical testing. Allele origin: germline. Affected: yes.
Comment: In silico analysis, which includes protein predictors and evolutionary conservation, supports a deleterious effect; Has not been previously published as pathogenic or benign to our knowledge